The following is an entry in ClinVar:

ClinVar aggregate classification (germline): Benign/Likely benign. Review status: criteria provided, multiple submitters, no conflicts (2 of 4 stars). 8 submissions from 8 submitters: Benign (1); Likely benign (7). Last evaluated 2026-01-13.

Conditions:
Juvenile polyposis syndrome (JPS). Identifiers: Orphanet 2929, MedGen C0345893, MONDO:0017380, OMIM 174900.
Hereditary cancer-predisposing syndrome. Also called: Neoplastic Syndromes, Hereditary; Hereditary Cancer Syndrome; Tumor predisposition; Hereditary neoplastic syndrome. Identifiers: Orphanet 140162, MedGen C0027672, MeSH D009386, MONDO:0015356.

Allele frequency attached by ClinVar (database versions not stated): TOPMed below 0.00001; ExAC 0.00002; gnomAD exomes 0.00002.

Submissions (8):

Labcorp Genetics (formerly Invitae), Labcorp
Classification: Likely benign for Juvenile polyposis syndrome. Last evaluated: 2026-01-13. Review status: criteria provided, single submitter. Criteria: Invitae Variant Classification Sherloc (09022015). Collection method: clinical testing. Allele origin: germline.

Center for Genomic Medicine, Rigshospitalet, Copenhagen University Hospital
Classification: Likely benign. Last evaluated: 2025-03-04. Review status: criteria provided, single submitter. Criteria: ACMG Guidelines, 2015. Collection method: clinical testing. Allele origin: germline.

Myriad Genetics, Inc.
Classification: Benign for Juvenile polyposis syndrome. Last evaluated: 2024-07-30. Review status: criteria provided, single submitter. Criteria: Myriad Autosomal Dominant, Autosomal Recessive and X-Linked Classification Criteria (2023). Collection method: clinical testing. Allele origin: unknown.
Comment: This variant is considered benign. This variant is a silent/synonymous amino acid change and it is not expected to impact splicing.

All of Us Research Program, National Institutes of Health
Classification: Likely benign for Juvenile polyposis syndrome. Last evaluated: 2023-03-28. Review status: criteria provided, single submitter. Criteria: ACMG Guidelines, 2015. Collection method: clinical testing. Allele origin: germline. Inheritance: Autosomal dominant inheritance. Observed: 1 variant allele, 1 heterozygote.
Comment: This study involves interpretation of variants in research participants for the purpose of population health screening. Participant phenotype was not available at the time of variant classification. Additional details can be found in publication PMID: 35346344, PMCID: PMC8962531

Women's Health and Genetics/Laboratory Corporation of America, LabCorp
Classification: Likely benign. Last evaluated: 2019-08-21. Review status: criteria provided, single submitter. Criteria: LabCorp Variant Classification Summary - May 2015. Collection method: clinical testing. Allele origin: germline.

Blueprint Genetics
Classification: Likely benign. Last evaluated: 2019-03-11. Review status: criteria provided, single submitter. Criteria: ACMG Guidelines, 2015. Collection method: clinical testing. Allele origin: germline.

Ambry Genetics
Classification: Likely benign for Hereditary cancer-predisposing syndrome. Last evaluated: 2017-05-23. Review status: criteria provided, single submitter. Criteria: Ambry Variant Classification Scheme 2023. Collection method: clinical testing. Allele origin: germline.

Color Diagnostics, LLC DBA Color Health
Classification: Likely benign for Hereditary cancer-predisposing syndrome. Last evaluated: 2017-03-21. Review status: criteria provided, single submitter. Criteria: ACMG Guidelines, 2015. Collection method: clinical testing. Allele origin: germline.

NM_004329.3(BMPR1A):c.12A>G (p.Leu4=)

Gene: BMPR1A (bone morphogenetic protein receptor type 1A; plus strand). Cytogenetic location: 10q23.2.
Variant type: single nucleotide variant.
Coding change: c.12A>G on transcript NM_004329.3 (MANE Select); coding-DNA position 12, A replaced by G.
Protein change: p.Leu4=; no amino-acid change (leucine 4 retained).
Molecular consequence: synonymous variant.
Genome position (GRCh38, 1-based): chr10:86,876,030, A>G. VCF-style: chr10-86876030-A-G. GRCh37 (hg19) VCF-style: chr10-88635787-A-G.
Identifiers: ClinVar variation 215828 (VCV000215828.30), dbSNP rs772729006, ClinGen allele CA337254.